The following is an entry in ClinVar:

NM_138691.3(TMC1):c.1534C>T (p.Arg512Ter)

Gene: TMC1 (transmembrane channel like 1; plus strand). Cytogenetic location: 9q21.13.
Variant type: single nucleotide variant.
Coding change: c.1534C>T on transcript NM_138691.3 (MANE Select); coding-DNA position 1534, C replaced by T.
Protein change: p.Arg512Ter; replaces arginine 512 with a stop codon.
Molecular consequence: nonsense.
Genome position (GRCh38, 1-based): chr9:72,792,320, C>T. VCF-style: chr9-72792320-C-T. GRCh37 (hg19) VCF-style: chr9-75407236-C-T.
Other names: short protein forms R512*.
Identifiers: ClinVar variation 545971 (VCV000545971.11), dbSNP rs200171616, ClinGen allele CA5081967.

ClinVar aggregate classification (germline): Pathogenic. Review status: criteria provided, multiple submitters, no conflicts (2 of 4 stars). 7 submissions from 7 submitters: Pathogenic (7). Last evaluated 2025-09-08.

Conditions:
Autosomal recessive nonsyndromic hearing loss 7. Also called: DEAFNESS, AUTOSOMAL RECESSIVE 11. Identifiers: Orphanet 90636, MedGen C1832978, MONDO:0010967, OMIM 600974.
TMC1-related disorder. Also called: TMC1-related disorders; TMC1-related condition.
Autosomal dominant nonsyndromic hearing loss 36. Identifiers: Orphanet 90635, MedGen C1847626, MONDO:0011708, OMIM 606705.

Allele frequency attached by ClinVar (database versions not stated): gnomAD 0.00029 and 0.00031; gnomAD exomes 0.00033; TOPMed 0.00002; 1000 Genomes Project 30x 0.00016; 1000 Genomes Project 0.00020; ExAC 0.00020.
gnomAD v4.1: 275 of 1,614,068 alleles (0.017%); highest among the groups gnomAD compares: Non-Finnish European, 0.0031%; 1 homozygote.

Submissions (7):

Labcorp Genetics (formerly Invitae), Labcorp
Classification: Pathogenic. Last evaluated: 2025-09-08. Review status: criteria provided, single submitter. Criteria: Invitae Variant Classification Sherloc (09022015). Collection method: clinical testing. Allele origin: germline.
Comment: This sequence change creates a premature translational stop signal (p.Arg512*) in the TMC1 gene. It is expected to result in an absent or disrupted protein product. Loss-of-function variants in TMC1 are known to be pathogenic (PMID: 11850618, 22105175). This variant is present in population databases (rs200171616, gnomAD 0.3%). This premature translational stop signal has been observed in individual(s) with congenital deafness (PMID: 11850618). ClinVar contains an entry for this variant (Variation ID: 545971). For these reasons, this variant has been classified as Pathogenic.

ENT and Head and Neck Research Center and Department,  The Five Senses Health Institute, Iran University of Medical Sciences
Classification: Pathogenic for Autosomal recessive nonsyndromic hearing loss 7. Last evaluated: 2025-08-20. Review status: criteria provided, single submitter. Criteria: ClinGen HL ACMG Specifications v1. Collection method: clinical testing. Allele origin: germline. Affected: yes.
Comment: PVS1: Null variant (nonsense) in gene TMC1, predicted to cause NMD. Loss-of-function is a known mechanism of disease (gene has 126 reported pathogenic LOF variants). The exon contains 5 pathogenic variants. The truncated region contains 52 pathogenic variants, PP5: ClinVar classifies this variant as Pathogenic, 2 stars (reviewed Mar '25, 3 submissions of which 1 is from a high confidence submitter), citing 2 articles (22105175 and 11850618), associated with Autosomal Dominant Nonsyndromic Hearing Loss 36 and Autosomal Recessive Nonsyndromic Hearing Loss 7. Supporting: a VarSome user has classified this variant as Pathogenic, citing 35407445, PM2: GnomAD genomes homozygous allele count = 0 is less than 2 for AD/AR gene TMC1, good gnomAD genomes coverage = 31.1. .

Variantyx, Inc.
Classification: Pathogenic for Autosomal recessive nonsyndromic hearing loss 7. Last evaluated: 2025-05-12. Review status: criteria provided, single submitter. Criteria: Variantyx Assertion Criteria 2022. Collection method: clinical testing. Allele origin: germline. Inheritance: Autosomal recessive inheritance.
Comment: This is a nonsense variant in the TMC1 gene (OMIM: 606706). Pathogenic variants in this gene have been associated with autosomal dominant and autosomal recessive deafness. This variant introduces a premature termination codon in exon 17 out of 24 and is expected to result in loss of function, which is a known disease mechanism for TMC1 in this disorder (PMID: 11850618, 33352559, 34523024) (PVS1). This variant has been reported in the homozygous or compound heterozygous state in at least one affected individual (PMID: 11850618, 33352559, 345230240) (PM3) and has a 0.0031% maximum allele frequency in non-founder control populations (PM2). Based on the current evidence, this variant is classified as pathogenic for autosomal recessive deafness.

GeneDx
Classification: Pathogenic. Last evaluated: 2024-12-27. Review status: criteria provided, single submitter. Criteria: GeneDx Variant Classification Process June 2021. Collection method: clinical testing. Allele origin: germline. Affected: yes.
Comment: Nonsense variant predicted to result in protein truncation or nonsense mediated decay in a gene for which loss of function is a known mechanism of disease; This variant is associated with the following publications: (PMID: 17877751, 25525159, 19187973, 16134132, 26226225, 18616530, 11850618, 34426522, 31589614, 35407445, 31345219, 34523024, 33352559, 39161163)

Blueprint Genetics
Classification: Pathogenic for TMC1-related disorders. Last evaluated: 2024-10-15. Review status: criteria provided, single submitter. Criteria: ACMG Guidelines, 2015. Collection method: clinical testing. Allele origin: germline. Affected: yes. Observed: 5 variant alleles.

Fulgent Genetics
Classification: Pathogenic for Autosomal recessive nonsyndromic hearing loss 7; Autosomal dominant nonsyndromic hearing loss 36. Last evaluated: 2024-04-19. Review status: criteria provided, single submitter. Criteria: ACMG Guidelines, 2015. Collection method: clinical testing. Allele origin: germline.

Juno Genomics, Hangzhou Juno Genomics, Inc
Classification: Pathogenic for Autosomal dominant nonsyndromic hearing loss 36; Autosomal recessive nonsyndromic hearing loss 7. Review status: criteria provided, single submitter. Criteria: ACMG Guidelines, 2015. Collection method: clinical testing. Allele origin: germline. Affected: yes.
Comment: Absent from controls (or at extremely low frequency if recessive) in Genome Aggregation Database.;Null variant in a gene where loss of function (LOF) is a known mechanism of disease.;For recessive disorders, detected in trans with a pathogenic variant.

Literature cited by the submitters: PubMed 11850618 (cited by Labcorp Genetics (formerly Invitae), Labcorp and Variantyx, Inc.); PubMed 22105175 (cited by Labcorp Genetics (formerly Invitae), Labcorp); PubMed 41231290 (cited by ENT and Head and Neck Research Center and Department,  The Five Senses Health Institute, Iran University of Medical Sciences); PubMed 33352559 (cited by Variantyx, Inc.); PubMed 34523024 (cited by Variantyx, Inc.).